The following is an entry in ClinVar:

ClinVar aggregate classification (germline): Uncertain significance (1 of 4 stars; one submission).

Conditions:
MED12L-related disorder. Also called: MED12L-related condition.

Submission:

PreventionGenetics, part of Exact Sciences
Classification: Uncertain significance for MED12L-related condition. Last evaluated: 2023-02-21. Review status: criteria provided, single submitter. Criteria: ACMG Guidelines, 2015. Collection method: clinical testing. Allele origin: germline.
Comment: The MED12L c.6058C>T variant is predicted to result in premature protein termination (p.Gln2020*). To our knowledge, this variant has not been reported in the literature or in a large population database, indicating this variant is rare. Other early termination changes in MED12L have been reported as causative upstream but not downstream of this alteration. Although we suspect that this variant may be pathogenic, at this time, the clinical significance of this variant is uncertain due to the absence of conclusive functional and genetic evidence.

NM_001393769.1(MED12L):c.6163C>T (p.Gln2055Ter)

Gene: MED12L (mediator complex subunit 12L; plus strand). Cytogenetic location: 3q25.1.
Variant type: single nucleotide variant.
Coding change: c.6163C>T on transcript NM_001393769.1 (MANE Select); coding-DNA position 6163, C replaced by T.
Protein change: p.Gln2055Ter; replaces glutamine 2055 with a stop codon.
Molecular consequence: nonsense.
Genome position (GRCh38, 1-based): chr3:151,413,161, C>T. VCF-style: chr3-151413161-C-T. GRCh37 (hg19) VCF-style: chr3-151130949-C-T.
Other names: c.6058C>T, p.Gln2020Ter (NM_053002.6); short protein forms Q2020*, Q2055*.
Identifiers: ClinVar variation 2630490 (VCV002630490.1), dbSNP rs2474224895, ClinGen allele CA354982822.
Genomic context (GRCh38, chr3:151,413,161, plus strand): 5'-TGCTTGGGCCTGAACCAAGTTGCATTATTCTTTGCCAGACTGAACCATCAGGCTCTACAG[C>T]AGAGCCCTCTGGTGGGCGGGGGAATTGATGCTGTGCTGACTTCTGCACATCCAAACCTTC-3'